The following is an entry in ClinVar:

ClinVar aggregate classification (germline): Uncertain significance (1 of 4 stars; one submission).

Submission:

GeneDx
Classification: Uncertain significance. Last evaluated: 2020-10-21. Review status: criteria provided, single submitter. Criteria: GeneDx Variant Classification Process June 2021. Collection method: clinical testing. Allele origin: germline. Affected: yes.
Comment: Not observed in large population cohorts (Lek et al., 2016); In silico analysis supports that this missense variant has a deleterious effect on protein structure/function; Has not been previously published as pathogenic or benign to our knowledge

NM_000540.3(RYR1):c.6845A>C (p.Asp2282Ala)

Gene: RYR1 (ryanodine receptor 1; plus strand). Cytogenetic location: 19q13.2.
Variant type: single nucleotide variant.
Coding change: c.6845A>C on transcript NM_000540.3 (MANE Select); coding-DNA position 6845, A replaced by C.
Protein change: p.Asp2282Ala; replaces aspartic acid 2282 with alanine.
Molecular consequence: missense variant.
Genome position (GRCh38, 1-based): chr19:38,496,908, A>C. VCF-style: chr19-38496908-A-C. GRCh37 (hg19) VCF-style: chr19-38987548-A-C.
Other names: c.6845A>C, p.Asp2282Ala (NM_001042723.2); short protein forms D2282A.
Identifiers: ClinVar variation 1313480 (VCV001313480.2), dbSNP rs2145588729, ClinGen allele CA405666546.